The following is an entry in ClinVar:

NM_006767.4(LZTR1):c.2441A>C (p.Gln814Pro)

Gene: LZTR1 (leucine zipper like post translational regulator 1; plus strand). Cytogenetic location: 22q11.21.
Variant type: single nucleotide variant.
Coding change: c.2441A>C on transcript NM_006767.4 (MANE Select); coding-DNA position 2441, A replaced by C.
Protein change: p.Gln814Pro; replaces glutamine 814 with proline.
Molecular consequence: missense variant.
Genome position (GRCh38, 1-based): chr22:20,997,266, A>C. VCF-style: chr22-20997266-A-C. GRCh37 (hg19) VCF-style: chr22-21351555-A-C.
Other names: short protein forms Q814P.
Identifiers: ClinVar variation 1791333 (VCV001791333.2), dbSNP rs2518626696, ClinGen allele CA410781619.

ClinVar aggregate classification (germline): Uncertain significance (1 of 4 stars; one submission).

Conditions:
Hereditary cancer-predisposing syndrome. Also called: Hereditary Cancer Syndrome; Hereditary neoplastic syndrome; Tumor predisposition; Neoplastic Syndromes, Hereditary. Identifiers: Orphanet 140162, MedGen C0027672, MeSH D009386, MONDO:0015356.
Cardiovascular phenotype. Identifiers: MedGen CN230736.

Submission:

Ambry Genetics
Classification: Uncertain significance for Cardiovascular phenotype; Hereditary cancer-predisposing syndrome. Last evaluated: 2022-02-20. Review status: criteria provided, single submitter. Criteria: Ambry Variant Classification Scheme 2023. Collection method: clinical testing. Allele origin: germline.
Comment: The p.Q814P variant (also known as c.2441A>C), located in coding exon 21 of the LZTR1 gene, results from an A to C substitution at nucleotide position 2441. The glutamine at codon 814 is replaced by proline, an amino acid with similar properties. This amino acid position is conserved. In addition, the in silico prediction for this alteration is inconclusive. Since supporting evidence is limited at this time, the clinical significance of this alteration remains unclear.